The following is an entry in ClinVar:

NM_005876.5(SPEG):c.6098A>T (p.His2033Leu)

Genes: ASIC4-AS1 (ASIC4 antisense RNA 1; minus strand), SPEG (striated muscle enriched protein kinase; plus strand). Cytogenetic location: 2q35.
Variant type: single nucleotide variant.
Coding change: c.6098A>T on transcript NM_005876.5 (MANE Select); coding-DNA position 6098, A replaced by T.
Protein change: p.His2033Leu; replaces histidine 2033 with leucine.
Molecular consequence: missense variant.
Genome position (GRCh38, 1-based): chr2:219,483,561, A>T. VCF-style: chr2-219483561-A-T. GRCh37 (hg19) VCF-style: chr2-220348283-A-T.
Other names: short protein forms H2033L.
Identifiers: ClinVar variation 2188021 (VCV002188021.1), dbSNP rs1018044653, ClinGen allele CA65990564.

ClinVar aggregate classification (germline): Uncertain significance (1 of 4 stars; one submission).

Allele frequency attached by ClinVar (database versions not stated): gnomAD 0.00002; TOPMed 0.00003.
gnomAD v4.1: 24 of 1,447,378 alleles (0.0017%); highest among the groups gnomAD compares: Non-Finnish European, 0.0019%; no homozygotes.

Submission:

Labcorp Genetics (formerly Invitae), Labcorp
Classification: Uncertain significance. Last evaluated: 2022-03-24. Review status: criteria provided, single submitter. Criteria: Invitae Variant Classification Sherloc (09022015). Collection method: clinical testing. Allele origin: germline.
Comment: This sequence change replaces histidine, which is basic and polar, with leucine, which is neutral and non-polar, at codon 2033 of the SPEG protein (p.His2033Leu). The frequency data for this variant in the population databases is considered unreliable, as metrics indicate poor data quality at this position in the gnomAD database. This variant has not been reported in the literature in individuals affected with SPEG-related conditions. Algorithms developed to predict the effect of missense changes on protein structure and function (SIFT, PolyPhen-2, Align-GVGD) all suggest that this variant is likely to be tolerated. In summary, the available evidence is currently insufficient to determine the role of this variant in disease. Therefore, it has been classified as a Variant of Uncertain Significance.